The following is an entry in ClinVar:

ClinVar aggregate classification (germline): Uncertain significance (1 of 4 stars; one submission).

Conditions:
Hereditary cancer-predisposing syndrome. Also called: Neoplastic Syndromes, Hereditary; Hereditary neoplastic syndrome; Tumor predisposition; Hereditary Cancer Syndrome. Identifiers: Orphanet 140162, MedGen C0027672, MeSH D009386, MONDO:0015356.

Submission:

Ambry Genetics
Classification: Uncertain significance for Hereditary cancer-predisposing syndrome. Last evaluated: 2026-02-16. Review status: criteria provided, single submitter. Criteria: Ambry Variant Classification Scheme 2023. Collection method: clinical testing. Allele origin: germline.
Comment: The p.D402A variant (also known as c.1205A>C), located in coding exon 10 of the SMARCE1 gene, results from an A to C substitution at nucleotide position 1205. The aspartic acid at codon 402 is replaced by alanine, an amino acid with dissimilar properties. This amino acid position is conserved. In addition, this alteration is predicted to be tolerated by in silico analysis. Based on the available evidence, the clinical significance of this variant remains unclear.

NM_003079.5(SMARCE1):c.1205A>C (p.Asp402Ala)

Gene: SMARCE1 (SWI/SNF related BAF chromatin remodeling complex subunit E1; minus strand). Cytogenetic location: 17q21.2.
Variant type: single nucleotide variant.
Coding change: c.1205A>C on transcript NM_003079.5 (MANE Select); coding-DNA position 1205, A replaced by C.
Protein change: p.Asp402Ala; replaces aspartic acid 402 with alanine.
Molecular consequence: missense variant.
Genome position (GRCh38, 1-based): chr17:40,628,816, T>G on the plus strand (A>C on the coding strand, the complement: SMARCE1 is on the minus strand). VCF-style: chr17-40628816-T-G. GRCh37 (hg19) VCF-style: chr17-38785068-T-G.
Other names: short protein forms D402A.
Identifiers: ClinVar variation 4824659 (VCV004824659.1).